The following is an entry in ClinVar:

ClinVar aggregate classification (germline): Likely benign. Review status: criteria provided, multiple submitters, no conflicts (2 of 4 stars). 3 submissions from 3 submitters: Likely benign (3). Last evaluated 2024-12-11.

Conditions:
Familial cancer of breast. Also called: BREAST CANCER, FAMILIAL; hereditary breast carcinoma; Hereditary breast cancer. Identifiers: Orphanet 227535, MedGen C0346153, MONDO:0016419, OMIM 114480. Disease mechanism: loss of function.
Ataxia-telangiectasia syndrome (AT). Also called: Ataxia-telangiectasia, complementation group D; AT, COMPLEMENTATION GROUP C; Ataxia-telangiectasia; ATAXIA-TELANGIECTASIA, COMPLEMENTATION GROUP A; ATAXIA-TELANGIECTASIA, FRESNO VARIANT; LOUIS-BAR SYNDROME. Identifiers: Orphanet 100, MedGen C0004135, MONDO:0008840, OMIM 208900.

Allele frequency attached by ClinVar (database versions not stated): TOPMed below 0.00001; gnomAD 0.00001.
gnomAD v4.1: 1 of 1,590,690 alleles (0.000063%); highest among the groups gnomAD compares: African/African-American, 0.0013%; no homozygotes.

Submissions (3):

Women's Health and Genetics/Laboratory Corporation of America, LabCorp
Classification: Likely benign. Last evaluated: 2024-12-11. Review status: criteria provided, single submitter. Criteria: LabCorp Variant Classification Summary - May 2015. Collection method: clinical testing. Allele origin: germline.

Myriad Genetics, Inc.
Classification: Likely benign for Familial cancer of breast. Last evaluated: 2024-05-16. Review status: criteria provided, single submitter. Criteria: Myriad Autosomal Dominant, Autosomal Recessive and X-Linked Classification Criteria (2023). Collection method: clinical testing. Allele origin: unknown.
Comment: This variant is considered likely benign. This variant is intronic and is not expected to impact mRNA splicing.

Labcorp Genetics (formerly Invitae), Labcorp
Classification: Likely benign for Ataxia-telangiectasia syndrome. Last evaluated: 2022-08-19. Review status: criteria provided, single submitter. Criteria: Invitae Variant Classification Sherloc (09022015). Collection method: clinical testing. Allele origin: germline.

NM_000051.4(ATM):c.4109+10T>C

Gene: ATM (ATM serine/threonine kinase; plus strand). Cytogenetic location: 11q22.3.
Variant type: single nucleotide variant.
Coding change: c.4109+10T>C on transcript NM_000051.4 (MANE Select); 10 bases into the intron after coding-DNA position 4109, T replaced by C.
Molecular consequence: intron variant.
Genome position (GRCh38, 1-based): chr11:108,287,725, T>C. VCF-style: chr11-108287725-T-C. GRCh37 (hg19) VCF-style: chr11-108158452-T-C.
Other names: c.4109+10T>C (NM_001351834.2).
Identifiers: ClinVar variation 633051 (VCV000633051.13), dbSNP rs1236628481, ClinGen allele CA671368137.